The following is an entry in ClinVar:

ClinVar aggregate classification (germline): Uncertain significance. Review status: criteria provided, multiple submitters, no conflicts (2 of 4 stars). 2 submissions from 2 submitters: Uncertain significance (2). Last evaluated 2025-05-26.

Conditions:
Neurodevelopmental disorder with motor regression, progressive spastic paraplegia, and oromotor dysfunction (NEDRSO). Identifiers: MedGen C5882695, MONDO:0957791, OMIM 620515.
Inborn genetic diseases. Identifiers: MedGen C0950123, MeSH D030342.

gnomAD v4.1: 177 of 1,583,756 alleles (0.011%); highest among the groups gnomAD compares: Non-Finnish European, 0.014%; no homozygotes.

Submissions (2):

Dasa
Classification: Uncertain significance for Neurodevelopmental disorder with motor regression, progressive spastic paraplegia, and oromotor dysfunction. Last evaluated: 2025-05-26. Review status: criteria provided, single submitter. Criteria: DASA Assertion Criteria. Collection method: clinical testing. Allele origin: germline.
Comment: NM_003086.4(SNAPC4):c.2491C>T (p.Leu831Phe) is a missense variant that results in the substitution of leucine with phenylalanine. This variant is rare in population databases. Computational prediction algorithms are consistent with a benign effect. The currently available literature and clinical evidence are not sufficient to establish a definitive association between this variant and the reported condition. Therefore, this variant is classified as a variant of uncertain significance.

Ambry Genetics
Classification: Uncertain significance for Inborn genetic diseases. Last evaluated: 2025-05-07. Review status: criteria provided, single submitter. Criteria: Ambry Variant Classification Scheme 2023. Collection method: clinical testing. Allele origin: germline.

NM_003086.4(SNAPC4):c.2491C>T (p.Leu831Phe)

Gene: SNAPC4 (small nuclear RNA activating complex polypeptide 4; minus strand). Cytogenetic location: 9q34.3.
Variant type: single nucleotide variant.
Coding change: c.2491C>T on transcript NM_003086.4 (MANE Select); coding-DNA position 2491, C replaced by T.
Protein change: p.Leu831Phe; replaces leucine 831 with phenylalanine.
Molecular consequence: missense variant.
Genome position (GRCh38, 1-based): chr9:136,380,748, G>A on the plus strand (C>T on the coding strand, the complement: SNAPC4 is on the minus strand). VCF-style: chr9-136380748-G-A. GRCh37 (hg19) VCF-style: chr9-139275200-G-A.
Other names: c.2491C>T, p.Leu831Phe (NM_001394201.1); c.2407C>T, p.Leu803Phe (NM_001394202.1, NM_001394203.1); short protein forms L803F, L831F.
Identifiers: ClinVar variation 3959155 (VCV003959155.3).